The following is an entry in ClinVar:

NM_002693.3(POLG):c.1151A>G (p.Asp384Gly)

Gene: POLG (DNA polymerase gamma, catalytic subunit; minus strand). Cytogenetic location: 15q26.1.
Variant type: single nucleotide variant.
Coding change: c.1151A>G on transcript NM_002693.3 (MANE Select); coding-DNA position 1151, A replaced by G.
Protein change: p.Asp384Gly; replaces aspartic acid 384 with glycine.
Molecular consequence: missense variant.
Genome position (GRCh38, 1-based): chr15:89,328,704, T>C on the plus strand (A>G on the coding strand, the complement: POLG is on the minus strand). VCF-style: chr15-89328704-T-C. GRCh37 (hg19) VCF-style: chr15-89871935-T-C.
Other names: c.1151A>G, p.Asp384Gly (NM_001126131.2); short protein forms D384G.
Identifiers: ClinVar variation 2971100 (VCV002971100.3), dbSNP rs1397581526, ClinGen allele CA393764690.

ClinVar aggregate classification (germline): Uncertain significance (1 of 4 stars; one submission).

Conditions:
Progressive sclerosing poliodystrophy (MTDPS4A). Also called: Mitochondrial DNA Depletion Syndrome 4A; ALPERS PROGRESSIVE INFANTILE POLIODYSTROPHY; NEURONAL DEGENERATION OF CHILDHOOD WITH LIVER DISEASE, PROGRESSIVE; Mitochondrial DNA depletion syndrome 4A (Alpers type); Alpers Syndrome; ALPERS DIFFUSE DEGENERATION OF CEREBRAL GRAY MATTER WITH HEPATIC CIRRHOSIS. Identifiers: Orphanet 726, MedGen C0205710, MONDO:0008758, OMIM 203700.

Allele frequency attached by ClinVar (database versions not stated): gnomAD exomes below 0.00001; TOPMed below 0.00001.
gnomAD v4.1: 1 of 1,614,156 alleles (0.000062%); highest among the groups gnomAD compares: African/African-American, 0.0013%; no homozygotes.

Submission:

Labcorp Genetics (formerly Invitae), Labcorp
Classification: Uncertain significance for Progressive sclerosing poliodystrophy. Last evaluated: 2025-11-10. Review status: criteria provided, single submitter. Criteria: Invitae Variant Classification Sherloc (09022015). Collection method: clinical testing. Allele origin: germline.
Comment: This sequence change replaces aspartic acid, which is acidic and polar, with glycine, which is neutral and non-polar, at codon 384 of the POLG protein (p.Asp384Gly). This variant is present in population databases (no rsID available, gnomAD 0.007%). This variant has not been reported in the literature in individuals affected with POLG-related conditions. ClinVar contains an entry for this variant (Variation ID: 2971100). Invitae Evidence Modeling of protein sequence and biophysical properties (such as structural, functional, and spatial information, amino acid conservation, physicochemical variation, residue mobility, and thermodynamic stability) indicates that this missense variant is expected to disrupt POLG protein function with a positive predictive value of 95%. In summary, the available evidence is currently insufficient to determine the role of this variant in disease. Therefore, it has been classified as a Variant of Uncertain Significance.